The following is an entry in ClinVar:

ClinVar aggregate classification (germline): Uncertain significance. Review status: criteria provided, single submitter (1 of 4 stars). 2 submissions from 2 submitters: Uncertain significance (1). 1 of the submissions does not count toward it. Last evaluated 2024-04-04.

Conditions:
EP300-related disorder. Also called: EP300-related condition; EP300-related disorders.
Colorectal cancer. Also called: Malignant Colorectal Neoplasm; Colorectal cancer, somatic. Identifiers: MedGen C0346629, MONDO:0005575, OMIM 114500.
Rubinstein-Taybi syndrome due to EP300 haploinsufficiency. Also called: EP300-Related Rubinstein-Taybi Syndrome; RUBINSTEIN-TAYBI SYNDROME 2. Identifiers: Orphanet 353284, Orphanet 783, MedGen C3150941, MONDO:0013364, OMIM 613684.
Menke-Hennekam syndrome 2 (MKHK2). Identifiers: MedGen C5193035, MONDO:0020769, OMIM 618333.

gnomAD v4.1: 47 of 1,614,086 alleles (0.0029%); highest among the groups gnomAD compares: East Asian, 0.1%; no homozygotes.

Submissions (2):

Fulgent Genetics
Classification: Uncertain significance for Colorectal cancer; Rubinstein-Taybi syndrome due to EP300 haploinsufficiency; Menke-Hennekam syndrome 2. Last evaluated: 2024-04-04. Review status: criteria provided, single submitter. Criteria: ACMG Guidelines, 2015. Collection method: clinical testing. Allele origin: germline.

PreventionGenetics, part of Exact Sciences
Classification: Uncertain significance for EP300-related condition. Last evaluated: 2024-04-10. Review status: no assertion criteria provided. Collection method: clinical testing. Allele origin: germline. Not counted in ClinVar's aggregate classification.
Comment: The EP300 c.965G>C variant is predicted to result in the amino acid substitution p.Gly322Ala. To our knowledge, this variant has not been reported in the literature. This variant is reported in 0.038% of alleles in individuals of East Asian descent in gnomAD. At this time, the clinical significance of this variant is uncertain due to the absence of conclusive functional and genetic evidence.

NM_001429.4(EP300):c.965G>C (p.Gly322Ala)

Gene: EP300 (EP300 lysine acetyltransferase; plus strand). Cytogenetic location: 22q13.2.
Variant type: single nucleotide variant.
Coding change: c.965G>C on transcript NM_001429.4 (MANE Select); coding-DNA position 965, G replaced by C.
Protein change: p.Gly322Ala; replaces glycine 322 with alanine.
Molecular consequence: missense variant.
Genome position (GRCh38, 1-based): chr22:41,127,545, G>C. VCF-style: chr22-41127545-G-C. GRCh37 (hg19) VCF-style: chr22-41523549-G-C.
Other names: c.965G>C, p.Gly322Ala (NM_001362843.2); short protein forms G322A.
Identifiers: ClinVar variation 3357757 (VCV003357757.2).